The following is an entry in ClinVar:

ClinVar aggregate classification (germline): Likely pathogenic (1 of 4 stars; one submission).

Conditions:
XK-related neurodegenerative disease. Also called: MCLEOD SYNDROME; McLeod neuroacanthocytosis syndrome; X-linked McLeod syndrome; NEUROACANTHOCYTOSIS, MCLEOD TYPE; MCLEOD PHENOTYPE. Identifiers: Orphanet 59306, MedGen C0398568, MONDO:0018945, OMIM 300842. Disease mechanism: loss of function.

Submissions (2):

Clinical Genetics Laboratory, Skane University Hospital Lund
Classification: Likely pathogenic for XK-related neurodegenerative disease. Last evaluated: 2026-05-05. Review status: criteria provided, single submitter. Criteria: ACMG Guidelines, 2015. Collection method: clinical testing. Allele origin: germline. Affected: yes.
Comment: PVS1 and PM2

Dr. Peter K. Rogan Lab, Western University
No classification provided (evidence only). Condition: Nonpapillary renal cell carcinoma. Review status: no classification provided. Collection method: in vitro. Allele origin: not applicable. Functional consequence: retained intron. Not counted in ClinVar's aggregate classification.

NM_021083.4(XK):c.246-2A>T

Gene: XK (X-linked Kx blood group antigen, Kell and VPS13A binding protein; plus strand). Cytogenetic location: Xp21.1.
Variant type: single nucleotide variant.
Coding change: c.246-2A>T on transcript NM_021083.4 (MANE Select); the canonical splice acceptor site of the intron before coding-DNA position 246, A replaced by T.
Molecular consequence: splice acceptor variant.
Genome position (GRCh38, 1-based): chrX:37,694,284, A>T. VCF-style: chrX-37694284-A-T. GRCh37 (hg19) VCF-style: chrX-37553537-A-T.
Other names: NC_000023.10:g.37553537A>T.
Identifiers: ClinVar variation 4487676 (VCV004487676.2).